The following is an entry in ClinVar:

NM_001367805.3(KIF23):c.2578G>A (p.Val860Ile)

Gene: KIF23 (kinesin family member 23; plus strand). Cytogenetic location: 15q23.
Variant type: single nucleotide variant.
Coding change: c.2578G>A on transcript NM_001367805.3 (MANE Select); coding-DNA position 2578, G replaced by A.
Protein change: p.Val860Ile; replaces valine 860 with isoleucine.
Molecular consequence: missense variant. On other transcripts: non-coding transcript variant (2), intron variant (1).
Genome position (GRCh38, 1-based): chr15:69,444,946, G>A. VCF-style: chr15-69444946-G-A. GRCh37 (hg19) VCF-style: chr15-69737285-G-A.
Other names: c.2536G>A, p.Val846Ile (NM_001367804.2, NM_138555.4); c.2224G>A, p.Val742Ile (NM_004856.7); c.2050-1063G>A (NM_001281301.2); c.2536G>A (NM_138555.2); short protein forms V742I, V846I, V860I.
Identifiers: ClinVar variation 2419496 (VCV002419496.7), dbSNP rs778232202, ClinGen allele CA7635428.
Genomic context (GRCh38, chr15:69,444,946, plus strand): 5'-TCTAACATGCAAACTGAAACAGTCATGCAGCCACATGTCCCTCATGCCATCACAGTATCT[G>A]TTGCAAATGAAAAGGCACTAGCTAAGTGTGAGAAGTACATGCTGACCCACCAGGAACTAG-3'
Protein context (NP_001354734.1, residues 850-870): PHVPHAITVS[Val860Ile]ANEKALAKCE

ClinVar aggregate classification (germline): Uncertain significance. Review status: criteria provided, multiple submitters, no conflicts (2 of 4 stars). 2 submissions from 2 submitters: Uncertain significance (2). Last evaluated 2025-11-08.

Allele frequency attached by ClinVar (database versions not stated): gnomAD 0.00005; TOPMed 0.00011; ExAC 0.00001; gnomAD exomes 0.00001.
gnomAD v4.1: 14 of 1,614,016 alleles (0.00087%); highest among the groups gnomAD compares: Admixed American, 0.01%; no homozygotes.

Submissions (2):

Ambry Genetics
Classification: Uncertain significance. Last evaluated: 2025-11-08. Review status: criteria provided, single submitter. Criteria: Ambry Variant Classification Scheme 2023. Collection method: clinical testing. Allele origin: germline.

Labcorp Genetics (formerly Invitae), Labcorp
Classification: Uncertain significance. Last evaluated: 2024-05-11. Review status: criteria provided, single submitter. Criteria: Invitae Variant Classification Sherloc (09022015). Collection method: clinical testing. Allele origin: germline.
Comment: This sequence change replaces valine, which is neutral and non-polar, with isoleucine, which is neutral and non-polar, at codon 846 of the KIF23 protein (p.Val846Ile). This variant is present in population databases (rs778232202, gnomAD 0.002%). This variant has not been reported in the literature in individuals affected with KIF23-related conditions. ClinVar contains an entry for this variant (Variation ID: 2419496). An algorithm developed to predict the effect of missense changes on protein structure and function (PolyPhen-2) suggests that this variant is likely to be tolerated. In summary, the available evidence is currently insufficient to determine the role of this variant in disease. Therefore, it has been classified as a Variant of Uncertain Significance.